The following is an entry in ClinVar:

ClinVar aggregate classification (germline): Conflicting classifications of pathogenicity. Review status: criteria provided, conflicting classifications (1 of 4 stars). 7 submissions from 7 submitters: Uncertain significance (5); Likely benign (2). Last evaluated 2025-11-10.

Conditions:
Hereditary cancer-predisposing syndrome. Also called: Tumor predisposition; Hereditary neoplastic syndrome; Neoplastic Syndromes, Hereditary; Hereditary Cancer Syndrome. Identifiers: Orphanet 140162, MedGen C0027672, MeSH D009386, MONDO:0015356.
Breast-ovarian cancer, familial, susceptibility to, 3. Also called: RAD51C-Related Breast/Ovarian Cancer. Identifiers: Orphanet 145, MedGen C3150659, MONDO:0013253, OMIM 613399.
Fanconi anemia complementation group O. Also called: RAD51C-Related Fanconi Anemia. Identifiers: Orphanet 84, MedGen C3150653, MONDO:0013248, OMIM 613390.

Allele frequency attached by ClinVar (database versions not stated): gnomAD 0.00001; gnomAD exomes 0.00001; TOPMed 0.00002.

Submissions (7):

Color Diagnostics, LLC DBA Color Health
Classification: Likely benign for Hereditary cancer-predisposing syndrome. Last evaluated: 2025-11-10. Review status: criteria provided, single submitter. Criteria: ACMG Guidelines, 2015. Collection method: clinical testing. Allele origin: germline.

Labcorp Genetics (formerly Invitae), Labcorp
Classification: Uncertain significance for Fanconi anemia complementation group O. Last evaluated: 2025-10-08. Review status: criteria provided, single submitter. Criteria: Invitae Variant Classification Sherloc (09022015). Collection method: clinical testing. Allele origin: germline.
Comment: This sequence change replaces histidine, which is basic and polar, with tyrosine, which is neutral and polar, at codon 250 of the RAD51C protein (p.His250Tyr). This variant is present in population databases (rs531540031, gnomAD 0.003%). This variant has not been reported in the literature in individuals affected with RAD51C-related conditions. ClinVar contains an entry for this variant (Variation ID: 220508). Invitae Evidence Modeling of protein sequence and biophysical properties (such as structural, functional, and spatial information, amino acid conservation, physicochemical variation, residue mobility, and thermodynamic stability) indicates that this missense variant is not expected to disrupt RAD51C protein function with a negative predictive value of 80%. In summary, the available evidence is currently insufficient to determine the role of this variant in disease. Therefore, it has been classified as a Variant of Uncertain Significance.

GeneDx
Classification: Uncertain significance. Last evaluated: 2024-11-12. Review status: criteria provided, single submitter. Criteria: GeneDx Variant Classification Process June 2021. Collection method: clinical testing. Allele origin: germline. Affected: yes.
Comment: Not observed at significant frequency in large population cohorts (gnomAD); In silico analysis supports that this missense variant has a deleterious effect on protein structure/function; Published functional studies demonstrate homology-directed repair activity comparable to wild-type (PMID: 37253112); This variant is associated with the following publications: (PMID: 14704354, 33471991, 29522266, 37253112)

Ambry Genetics
Classification: Likely benign for Hereditary cancer-predisposing syndrome. Last evaluated: 2024-04-24. Review status: criteria provided, single submitter. Criteria: Ambry Variant Classification Scheme 2023. Collection method: clinical testing. Allele origin: germline.

Baylor Genetics
Classification: Uncertain significance for Breast-ovarian cancer, familial, susceptibility to, 3. Last evaluated: 2023-07-30. Review status: criteria provided, single submitter. Criteria: ACMG Guidelines, 2015. Collection method: clinical testing. Allele origin: unknown.

Sema4
Classification: Uncertain significance for Hereditary cancer-predisposing syndrome. Last evaluated: 2022-01-28. Review status: criteria provided, single submitter. Criteria: Sema4 Curation Guidelines. Collection method: curation. Allele origin: germline.
Comment: The RAD51C c.748C>T (p.H250Y) variant has not been reported in the individuals with RAD51C-related disease. It has been reported by a large case-control study in 0/60466 breast cancer cases and 4/53461 controls (PMID: 33471991). It was observed in 3/113736 chromosomes of the European (non-Finnish) subpopulation in the large and broad cohorts of the Genome Aggregation Database (PMID: 32461654). This variant has been reported in ClinVar (Variation ID 220508). Functional studies have not been performed, and in silico predictions of the variant's effect on protein function are inconclusive. There is no indication that this variant causes disease, but the evidence is insufficient currently to prove that conclusively. Thus, the clinical significance of this variant is currently uncertain.

Institute for Clinical Genetics, University Hospital TU Dresden, University Hospital TU Dresden
Classification: Uncertain significance. Last evaluated: 2021-11-03. Review status: criteria provided, single submitter. Criteria: ACMG Guidelines, 2015. Collection method: clinical testing. Allele origin: germline.

Literature cited by the submitters: PubMed 37253112 (cited by Ambry Genetics); PubMed 33471991 (cited by Sema4).

NM_058216.3(RAD51C):c.748C>T (p.His250Tyr)

Gene: RAD51C (RAD51 paralog C; plus strand). Cytogenetic location: 17q22.
Variant type: single nucleotide variant.
Coding change: c.748C>T on transcript NM_058216.3 (MANE Select); coding-DNA position 748, C replaced by T.
Protein change: p.His250Tyr; replaces histidine 250 with tyrosine.
Molecular consequence: missense variant. On other transcripts: non-coding transcript variant (1).
Genome position (GRCh38, 1-based): chr17:58,709,901, C>T. VCF-style: chr17-58709901-C-T. GRCh37 (hg19) VCF-style: chr17-56787262-C-T.
Other names: short protein forms H250Y.
Identifiers: ClinVar variation 220508 (VCV000220508.26), dbSNP rs531540031, ClinGen allele CA349893.